The following is an entry in ClinVar:

ClinVar aggregate classification (germline): Uncertain significance (1 of 4 stars; one submission).

Submission:

GeneDx
Classification: Uncertain significance. Last evaluated: 2024-04-17. Review status: criteria provided, single submitter. Criteria: GeneDx Variant Classification Process June 2021. Collection method: clinical testing. Allele origin: germline. Affected: yes.
Comment: Has not been previously published as pathogenic or benign to our knowledge; Not observed at significant frequency in large population cohorts (gnomAD); In silico analysis supports a deleterious effect on splicing

NM_000138.5(FBN1):c.989-12_989-11inv

Gene: FBN1 (fibrillin 1; minus strand). Cytogenetic location: 15q21.1.
Variant type: Inversion.
Coding change: c.989-12_989-11inv on transcript NM_000138.5 (MANE Select).
Molecular consequence: intron variant.
Genome position: GRCh38 VCF-style: chr15-48520828-AG-CT. GRCh37 (hg19) VCF-style: chr15-48813025-AG-CT.
Other names: c.989-12_989-11inv (NM_001406716.1).
Identifiers: ClinVar variation 3364076 (VCV003364076.1).